The following is an entry in ClinVar:

NM_001041.4(SI):c.3429A>T (p.Lys1143Asn)

Gene: SI (sucrase-isomaltase; minus strand). Cytogenetic location: 3q26.1.
Variant type: single nucleotide variant.
Coding change: c.3429A>T on transcript NM_001041.4 (MANE Select); coding-DNA position 3429, A replaced by T.
Protein change: p.Lys1143Asn; replaces lysine 1143 with asparagine.
Molecular consequence: missense variant.
Genome position (GRCh38, 1-based): chr3:165,018,061, T>A on the plus strand (A>T on the coding strand, the complement: SI is on the minus strand). VCF-style: chr3-165018061-T-A. GRCh37 (hg19) VCF-style: chr3-164735849-T-A.
Other names: short protein forms K1143N.
Identifiers: ClinVar variation 1407669 (VCV001407669.7), dbSNP rs1719128586, ClinGen allele CA355038801.
Genomic context (GRCh38, chr3:165,018,061, plus strand): 5'-ATGAGCATTGCCCTCCTCTTCCAGAGCCATGTAATAGGGATGAAATCCATAGGAATTAAG[T>A]TTGTACTGAAATACGAAAAATAAGCACAATATATTTTAAGTAACAATAGCATGTGAATTT-3'
Protein context (NP_001032.2, residues 1133-1153): MFTRDQPPGY[Lys1143Asn]LNSYGFHPYY

ClinVar aggregate classification (germline): Uncertain significance. Review status: criteria provided, multiple submitters, no conflicts (2 of 4 stars). 2 submissions from 2 submitters: Uncertain significance (2). Last evaluated 2024-09-13.

Allele frequency attached by ClinVar (database versions not stated): TOPMed below 0.00001.
gnomAD v4.1: 8 of 1,583,240 alleles (0.00051%); highest among the groups gnomAD compares: Non-Finnish European, 0.00069%; no homozygotes.

Submissions (2):

Blueprint Genetics
Classification: Uncertain significance. Last evaluated: 2024-09-13. Review status: criteria provided, single submitter. Criteria: ACMG Guidelines, 2015. Collection method: clinical testing. Allele origin: germline.

Labcorp Genetics (formerly Invitae), Labcorp
Classification: Uncertain significance. Last evaluated: 2022-07-12. Review status: criteria provided, single submitter. Criteria: Invitae Variant Classification Sherloc (09022015). Collection method: clinical testing. Allele origin: germline.
Comment: This sequence change replaces lysine, which is basic and polar, with asparagine, which is neutral and polar, at codon 1143 of the SI protein (p.Lys1143Asn). This variant is not present in population databases (gnomAD no frequency). This variant has not been reported in the literature in individuals affected with SI-related conditions. ClinVar contains an entry for this variant (Variation ID: 1407669). Algorithms developed to predict the effect of missense changes on protein structure and function are either unavailable or do not agree on the potential impact of this missense change (SIFT: "Tolerated"; PolyPhen-2: "Possibly Damaging"; Align-GVGD: "Class C0"). In summary, the available evidence is currently insufficient to determine the role of this variant in disease. Therefore, it has been classified as a Variant of Uncertain Significance.